The following is an entry in ClinVar:

NM_001278512.2(AP3B2):c.2932C>G (p.Gln978Glu)

Genes: CPEB1-AS1 (CPEB1 antisense RNA 1; plus strand), AP3B2 (adaptor related protein complex 3 subunit beta 2; minus strand). Cytogenetic location: 15q25.2.
Variant type: single nucleotide variant.
Coding change: c.2932C>G on transcript NM_001278512.2 (MANE Select); coding-DNA position 2932, C replaced by G.
Protein change: p.Gln978Glu; replaces glutamine 978 with glutamic acid.
Molecular consequence: missense variant.
Genome position (GRCh38, 1-based): chr15:82,661,909, G>C on the plus strand (C>G on the coding strand, the complement: AP3B2 is on the minus strand). VCF-style: chr15-82661909-G-C. GRCh37 (hg19) VCF-style: chr15-83330661-G-C.
Other names: c.2779C>G, p.Gln927Glu (NM_001278511.2); c.64C>G, p.Gln22Glu (NM_001348441.2); c.2875C>G, p.Gln959Glu (NM_004644.5); short protein forms Q22E, Q978E, Q927E, Q959E.
Identifiers: ClinVar variation 1359081 (VCV001359081.8), dbSNP rs2047957930, ClinGen allele CA393306845.

ClinVar aggregate classification (germline): Uncertain significance (1 of 4 stars; one submission).

Allele frequency attached by ClinVar (database versions not stated): TOPMed below 0.00001.

Submission:

Labcorp Genetics (formerly Invitae), Labcorp
Classification: Uncertain significance. Last evaluated: 2021-07-13. Review status: criteria provided, single submitter. Criteria: Invitae Variant Classification Sherloc (09022015). Collection method: clinical testing. Allele origin: germline.
Comment: This sequence change replaces glutamine with glutamic acid at codon 959 of the AP3B2 protein (p.Gln959Glu). The glutamine residue is weakly conserved and there is a small physicochemical difference between glutamine and glutamic acid. This variant is not present in population databases (ExAC no frequency). This variant has not been reported in the literature in individuals with AP3B2-related conditions. Algorithms developed to predict the effect of missense changes on protein structure and function (SIFT, PolyPhen-2, Align-GVGD) all suggest that this variant is likely to be tolerated, but these predictions have not been confirmed by published functional studies and their clinical significance is uncertain. In summary, the available evidence is currently insufficient to determine the role of this variant in disease. Therefore, it has been classified as a Variant of Uncertain Significance.